The following is an entry in ClinVar:

ClinVar aggregate classification (germline): Likely benign. Review status: criteria provided, single submitter (1 of 4 stars). 3 submissions from 3 submitters: Likely benign (1). 2 of the submissions do not count toward it. Last evaluated 2022-10-06.

Conditions:
RAB23-related disorder. Also called: RAB23-related condition.
RAB23-related Carpenter syndrome. Also called: ACPS II; Carpenter syndrome 1. Identifiers: Orphanet 65759, MedGen C4551510, MONDO:0008710, OMIM 201000.
Carpenter syndrome. Identifiers: Orphanet 65759, MedGen C1275078, MONDO:0019012.

Allele frequency attached by ClinVar (database versions not stated): gnomAD exomes 0.00001; TOPMed 0.00001; ExAC 0.00001.
gnomAD v4.1: 5 of 1,599,956 alleles (0.00031%); highest among the groups gnomAD compares: Admixed American, 0.0067%; no homozygotes.

Submissions (3):

Labcorp Genetics (formerly Invitae), Labcorp
Classification: Likely benign for Carpenter syndrome. Last evaluated: 2022-10-06. Review status: criteria provided, single submitter. Criteria: Invitae Variant Classification Sherloc (09022015). Collection method: clinical testing. Allele origin: germline.

PreventionGenetics, part of Exact Sciences
Classification: Likely benign for RAB23-related condition. Last evaluated: 2024-03-05. Review status: no assertion criteria provided. Collection method: clinical testing. Allele origin: germline. Not counted in ClinVar's aggregate classification.
Comment: This variant is classified as likely benign based on ACMG/AMP sequence variant interpretation guidelines (Richards et al. 2015 PMID: 25741868, with internal and published modifications).

Natera, Inc.
Classification: Uncertain significance for Acrocephalopolysyndactyly type II. Last evaluated: 2020-08-14. Review status: no assertion criteria provided. Collection method: clinical testing. Allele origin: germline. Not counted in ClinVar's aggregate classification.

NM_016277.5(RAB23):c.222T>C (p.Ile74=)

Gene: RAB23 (RAB23, member RAS oncogene family; minus strand). Cytogenetic location: 6p11.2.
Variant type: single nucleotide variant.
Coding change: c.222T>C on transcript NM_016277.5 (MANE Select); coding-DNA position 222, T replaced by C.
Protein change: p.Ile74=; no amino-acid change (isoleucine 74 retained).
Molecular consequence: synonymous variant.
Genome position (GRCh38, 1-based): chr6:57,207,647, A>G on the plus strand (T>C on the coding strand, the complement: RAB23 is on the minus strand). VCF-style: chr6-57207647-A-G. GRCh37 (hg19) VCF-style: chr6-57072445-A-G.
Other names: c.222T>C, p.Ile74= (NM_001278666.2, NM_001278667.2, NM_001278668.2 and 1 more transcripts).
Identifiers: ClinVar variation 989997 (VCV000989997.10), dbSNP rs759497648, ClinGen allele CA3873884.